The following is an entry in ClinVar:

ClinVar aggregate classification (germline): Uncertain significance. Review status: criteria provided, multiple submitters, no conflicts (2 of 4 stars). 2 submissions from 2 submitters: Uncertain significance (2). Last evaluated 2026-01-12.

Conditions:
Inborn genetic diseases. Identifiers: MedGen C0950123, MeSH D030342.

Allele frequency attached by ClinVar (database versions not stated): ESP Exome Variant Server 0.00008; gnomAD exomes 0.00006; gnomAD 0.00011; TOPMed 0.00011; ExAC 0.00009.
gnomAD v4.1: 104 of 1,614,048 alleles (0.0064%); highest among the groups gnomAD compares: Middle Eastern, 0.15%; no homozygotes.

Submissions (2):

Labcorp Genetics (formerly Invitae), Labcorp
Classification: Uncertain significance. Last evaluated: 2026-01-12. Review status: criteria provided, single submitter. Criteria: Invitae Variant Classification Sherloc (09022015). Collection method: clinical testing. Allele origin: germline.
Comment: This sequence change replaces isoleucine, which is neutral and non-polar, with threonine, which is neutral and polar, at codon 644 of the UBE3B protein (p.Ile644Thr). This variant is present in population databases (rs376232986, gnomAD 0.01%). This variant has not been reported in the literature in individuals affected with UBE3B-related conditions. ClinVar contains an entry for this variant (Variation ID: 1970277). Invitae Evidence Modeling of protein sequence and biophysical properties (such as structural, functional, and spatial information, amino acid conservation, physicochemical variation, residue mobility, and thermodynamic stability) indicates that this missense variant is not expected to disrupt UBE3B protein function with a negative predictive value of 80%. In summary, the available evidence is currently insufficient to determine the role of this variant in disease. Therefore, it has been classified as a Variant of Uncertain Significance.

Ambry Genetics
Classification: Uncertain significance for Inborn genetic diseases. Last evaluated: 2025-07-15. Review status: criteria provided, single submitter. Criteria: Ambry Variant Classification Scheme 2023. Collection method: clinical testing. Allele origin: germline.

NM_130466.4(UBE3B):c.1931T>C (p.Ile644Thr)

Gene: UBE3B (ubiquitin protein ligase E3B; plus strand). Cytogenetic location: 12q24.11.
Variant type: single nucleotide variant.
Coding change: c.1931T>C on transcript NM_130466.4 (MANE Select); coding-DNA position 1931, T replaced by C.
Protein change: p.Ile644Thr; replaces isoleucine 644 with threonine.
Molecular consequence: missense variant.
Genome position (GRCh38, 1-based): chr12:109,511,278, T>C. VCF-style: chr12-109511278-T-C. GRCh37 (hg19) VCF-style: chr12-109949083-T-C.
Other names: c.1931T>C, p.Ile644Thr (NM_183415.3); c.1931T>C (NM_130466.2); short protein forms I644T.
Identifiers: ClinVar variation 1970277 (VCV001970277.7), dbSNP rs376232986, ClinGen allele CA6778043.
Genomic context (GRCh38, chr12:109,511,278, plus strand): 5'-GCGTGCTCTTCCAAGAACTCGACAGGGACAGAAAACGGGCACAGTTGATCCTGCAGTACA[T>C]CCCACATGTCATCCCTCACAAAAACGTGAGTTGCACTCAGAGCTGGGCCCCGATGTGTCT-3'
Protein context (NP_569733.2, residues 634-654): RKRAQLILQY[Ile644Thr]PHVIPHKNRV